The following is an entry in ClinVar:

NM_006231.4(POLE):c.2097C>G (p.Phe699Leu)

Gene: POLE (DNA polymerase epsilon, catalytic subunit; minus strand). Cytogenetic location: 12q24.33.
Variant type: single nucleotide variant.
Coding change: c.2097C>G on transcript NM_006231.4 (MANE Select); coding-DNA position 2097, C replaced by G.
Protein change: p.Phe699Leu; replaces phenylalanine 699 with leucine.
Molecular consequence: missense variant.
Genome position (GRCh38, 1-based): chr12:132,668,432, G>C on the plus strand (C>G on the coding strand, the complement: POLE is on the minus strand). VCF-style: chr12-132668432-G-C. GRCh37 (hg19) VCF-style: chr12-133245018-G-C.
Other names: short protein forms F699L.
Identifiers: ClinVar variation 850531 (VCV000850531.9), dbSNP rs1555227263, ClinGen allele CA387353988.
Genomic context (GRCh38, chr12:132,668,432, plus strand): 5'-CTCGTATTTCGCCTGTTCCTCGCGGGACAGTTCATGAAAGGCCCGAGCTGGCCCCTCTGG[G>C]AACAAGGGGGGGAACTTCTCTGACTCCAGCTGGTGCTGGATCCGATGGTATTCGCTGCGA-3'
Protein context (NP_006222.2, residues 689-709): QLESEKFPPL[Phe699Leu]PEGPARAFHE

ClinVar aggregate classification (germline): Uncertain significance (1 of 4 stars; one submission).

Allele frequency attached by ClinVar (database versions not stated): gnomAD exomes 0.00001.
gnomAD v4.1: 4 of 1,612,774 alleles (0.00025%); highest among the groups gnomAD compares: South Asian, 0.0044%; no homozygotes.

Submission:

Labcorp Genetics (formerly Invitae), Labcorp
Classification: Uncertain significance. Last evaluated: 2019-02-24. Review status: criteria provided, single submitter. Criteria: Invitae Variant Classification Sherloc (09022015). Collection method: clinical testing. Allele origin: germline.
Comment: In summary, the available evidence is currently insufficient to determine the role of this variant in disease. Therefore, it has been classified as a Variant of Uncertain Significance. Algorithms developed to predict the effect of missense changes on protein structure and function are either unavailable or do not agree on the potential impact of this missense change (SIFT: "Deleterious"; PolyPhen-2: "Benign"; Align-GVGD: "Class C0"). This variant has not been reported in the literature in individuals with POLE-related conditions. This variant is not present in population databases (ExAC no frequency). This sequence change replaces phenylalanine with leucine at codon 699 of the POLE protein (p.Phe699Leu). The phenylalanine residue is moderately conserved and there is a small physicochemical difference between phenylalanine and leucine.